The following is an entry in ClinVar:

NM_002796.3(PSMB4):c.329A>C (p.Gln110Pro)

Gene: PSMB4 (proteasome 20S subunit beta 4; plus strand). Cytogenetic location: 1q21.3.
Variant type: single nucleotide variant.
Coding change: c.329A>C on transcript NM_002796.3 (MANE Select); coding-DNA position 329, A replaced by C.
Protein change: p.Gln110Pro; replaces glutamine 110 with proline.
Molecular consequence: missense variant.
Genome position (GRCh38, 1-based): chr1:151,400,169, A>C. VCF-style: chr1-151400169-A-C. GRCh37 (hg19) VCF-style: chr1-151372645-A-C.
Other names: short protein forms Q110P.
Identifiers: ClinVar variation 2698557 (VCV002698557.4), dbSNP rs1400271177, ClinGen allele CA341922133.

ClinVar aggregate classification (germline): Uncertain significance. Review status: criteria provided, multiple submitters, no conflicts (2 of 4 stars). 2 submissions from 2 submitters: Uncertain significance (2). Last evaluated 2023-11-24.

Submissions (2):

Labcorp Genetics (formerly Invitae), Labcorp
Classification: Uncertain significance. Last evaluated: 2023-11-24. Review status: criteria provided, single submitter. Criteria: Invitae Variant Classification Sherloc (09022015). Collection method: clinical testing. Allele origin: germline.
Comment: This sequence change replaces glutamine, which is neutral and polar, with proline, which is neutral and non-polar, at codon 110 of the PSMB4 protein (p.Gln110Pro). This variant is not present in population databases (gnomAD no frequency). This variant has not been reported in the literature in individuals affected with PSMB4-related conditions. An algorithm developed to predict the effect of missense changes on protein structure and function (PolyPhen-2) suggests that this variant is likely to be disruptive. In summary, the available evidence is currently insufficient to determine the role of this variant in disease. Therefore, it has been classified as a Variant of Uncertain Significance.

Blueprint Genetics
Classification: Uncertain significance. Last evaluated: 2023-02-24. Review status: criteria provided, single submitter. Criteria: ACMG Guidelines, 2015. Collection method: clinical testing. Allele origin: germline.